The following is an entry in ClinVar:

ClinVar aggregate classification (germline): Uncertain significance (1 of 4 stars; one submission).

Submission:

Athena Diagnostics
Classification: Uncertain significance. Last evaluated: 2023-09-01. Review status: criteria provided, single submitter. Criteria: Athena Diagnostics Criteria. Collection method: clinical testing. Allele origin: unknown.
Comment: Available data are insufficient to determine the clinical significance of the variant at this time. This variant has not been reported in large, multi-ethnic general populations. Computational tools yielded predictions that this variant is unlikely to have an effect on normal RNA splicing.

NM_182961.4(SYNE1):c.10767_10768delinsAA (p.Thr3589_Arg3590=)

Gene: SYNE1 (spectrin repeat containing nuclear envelope protein 1; minus strand). Cytogenetic location: 6q25.2.
Variant type: Indel.
Coding change: c.10767_10768delinsAA on transcript NM_182961.4 (MANE Select); coding-DNA positions 10767 to 10768, TC replaced by AA.
Protein change: p.Thr3589_Arg3590=.
Molecular consequence: synonymous variant.
Genome position (GRCh38, 1-based): chr6:152,354,817-152,354,818, GA replaced by TT on the plus strand (TC replaced by AA on the coding strand, the reverse complement: SYNE1 is on the minus strand). VCF-style: chr6-152354817-GA-TT. GRCh37 (hg19) VCF-style: chr6-152675952-GA-TT.
Other names: c.10788_10789delinsAA, p.Thr3596_Arg3597= (NM_033071.5).
Identifiers: ClinVar variation 2684025 (VCV002684025.1), dbSNP rs2488290133, ClinGen allele CA2697553790.